The following is an entry in ClinVar:

ClinVar aggregate classification (germline): Uncertain significance (1 of 4 stars; one submission).

Submission:

Labcorp Genetics (formerly Invitae), Labcorp
Classification: Uncertain significance. Last evaluated: 2022-02-18. Review status: criteria provided, single submitter. Criteria: Invitae Variant Classification Sherloc (09022015). Collection method: clinical testing. Allele origin: germline.
Comment: This variant has not been reported in the literature in individuals affected with COL9A1-related conditions. This sequence change replaces proline, which is neutral and non-polar, with leucine, which is neutral and non-polar, at codon 620 of the COL9A1 protein (p.Pro620Leu). This variant is not present in population databases (gnomAD no frequency). Advanced modeling of protein sequence and biophysical properties (such as structural, functional, and spatial information, amino acid conservation, physicochemical variation, residue mobility, and thermodynamic stability) performed at Invitae indicates that this missense variant is not expected to disrupt COL9A1 protein function. In summary, the available evidence is currently insufficient to determine the role of this variant in disease. Therefore, it has been classified as a Variant of Uncertain Significance.

NM_001851.6(COL9A1):c.1859C>T (p.Pro620Leu)

Gene: COL9A1 (collagen type IX alpha 1 chain; minus strand). Cytogenetic location: 6q13.
Variant type: single nucleotide variant.
Coding change: c.1859C>T on transcript NM_001851.6 (MANE Select); coding-DNA position 1859, C replaced by T.
Protein change: p.Pro620Leu; replaces proline 620 with leucine.
Molecular consequence: missense variant. On other transcripts: non-coding transcript variant (1).
Genome position (GRCh38, 1-based): chr6:70,252,133, G>A on the plus strand (C>T on the coding strand, the complement: COL9A1 is on the minus strand). VCF-style: chr6-70252133-G-A. GRCh37 (hg19) VCF-style: chr6-70961836-G-A.
Other names: c.1160C>T, p.Pro387Leu (NM_001377289.1); c.1130C>T, p.Pro377Leu (NM_001377290.1, NM_078485.4); short protein forms P387L, P377L, P620L.
Identifiers: ClinVar variation 2043899 (VCV002043899.4), dbSNP rs2127574454, ClinGen allele CA364677065.
Genomic context (GRCh38, chr6:70,252,133, plus strand): 5'-AAAGTCCTGAGAAGGTGCTTTAGGAAAGAACAGCAAGGAATACTCACAGGAAGCCCCTGG[G>A]GTCCTCGGGGTCCCACCTCTCCTGGAGGCCCCTGTTGGCCCTGTTATCAGGAAGGAAGGT-3'
Protein context (NP_001842.3, residues 610-630): GPPGEVGPRG[Pro620Leu]QGLPGSRGEL